The following is an entry in ClinVar:

ClinVar aggregate classification (germline): Uncertain significance. Review status: criteria provided, multiple submitters, no conflicts (2 of 4 stars). 2 submissions from 2 submitters: Uncertain significance (2). Last evaluated 2024-01-30.

Conditions:
Hypertrophic cardiomyopathy. Also called: HYPERTROPHIC MYOCARDIOPATHY. Identifiers: Orphanet 217569, MedGen C0007194, MeSH D002312, MONDO:0005045, HP:0001639.

Submissions (2):

Ambry Genetics
Classification: Uncertain significance. Last evaluated: 2024-01-30. Review status: criteria provided, single submitter. Criteria: Ambry Variant Classification Scheme 2023. Collection method: clinical testing. Allele origin: germline.

Labcorp Genetics (formerly Invitae), Labcorp
Classification: Uncertain significance for Hypertrophic cardiomyopathy. Last evaluated: 2023-11-27. Review status: criteria provided, single submitter. Criteria: Invitae Variant Classification Sherloc (09022015). Collection method: clinical testing. Allele origin: germline.
Comment: This sequence change replaces arginine, which is basic and polar, with glutamine, which is neutral and polar, at codon 585 of the MYOM1 protein (p.Arg585Gln). This variant is present in population databases (no rsID available, gnomAD 0.006%). This variant has not been reported in the literature in individuals affected with MYOM1-related conditions. Advanced modeling of protein sequence and biophysical properties (such as structural, functional, and spatial information, amino acid conservation, physicochemical variation, residue mobility, and thermodynamic stability) has been performed at Invitae for this missense variant, however the output from this modeling did not meet the statistical confidence thresholds required to predict the impact of this variant on MYOM1 protein function. In summary, the available evidence is currently insufficient to determine the role of this variant in disease. Therefore, it has been classified as a Variant of Uncertain Significance.

NM_003803.4(MYOM1):c.1754G>A (p.Arg585Gln)

Gene: MYOM1 (myomesin 1; minus strand). Cytogenetic location: 18p11.31.
Variant type: single nucleotide variant.
Coding change: c.1754G>A on transcript NM_003803.4 (MANE Select); coding-DNA position 1754, G replaced by A.
Protein change: p.Arg585Gln; replaces arginine 585 with glutamine.
Molecular consequence: missense variant.
Genome position (GRCh38, 1-based): chr18:3,151,783, C>T on the plus strand (G>A on the coding strand, the complement: MYOM1 is on the minus strand). VCF-style: chr18-3151783-C-T. GRCh37 (hg19) VCF-style: chr18-3151781-C-T.
Other names: c.1754G>A, p.Arg585Gln (NM_019856.2); short protein forms R585Q.
Identifiers: ClinVar variation 2919077 (VCV002919077.4), dbSNP rs760185597, ClinGen allele CA401714179.
Genomic context (GRCh38, chr18:3,151,783, plus strand): 5'-AGAGCAGCCACGGGCTCGGAAACTCGAGATGGGAAACCTATTCCCATTTTATTCACAGCT[C>T]GAACTCGGAAGATATAGGAACGACCTTCGATCAATCCAGTGACAGGAAAACGAGCAAACT-3'
Protein context (NP_003794.3, residues 575-595): IEGRSYIFRV[Arg585Gln]AVNKMGIGFP